The following is an entry in ClinVar:

ClinVar aggregate classification (germline): Uncertain significance (0 of 4 stars; one submission).

Conditions:
CPE-related disorder. Also called: CPE-related condition.

Allele frequency attached by ClinVar (database versions not stated): TOPMed 0.00002; gnomAD 0.00003; gnomAD exomes 0.00003.
gnomAD v4.1: 34 of 1,240,688 alleles (0.0027%); highest among the groups gnomAD compares: Non-Finnish European, 0.0034%; no homozygotes.

Submission:

PreventionGenetics, part of Exact Sciences
Classification: Uncertain significance for CPE-related condition. Last evaluated: 2024-01-01. Review status: no assertion criteria provided. Collection method: clinical testing. Allele origin: germline.
Comment: The CPE c.14G>T variant is predicted to result in the amino acid substitution p.Gly5Val. To our knowledge, this variant has not been reported in the literature. This variant is reported in 0.012% of alleles in individuals of African descent in gnomAD. At this time, the clinical significance of this variant is uncertain due to the absence of conclusive functional and genetic evidence.

NM_001873.4(CPE):c.14G>T (p.Gly5Val)

Genes: CPE (carboxypeptidase E; plus strand), LOC129993339 (ATAC-STARR-seq lymphoblastoid silent region 15785; plus strand). Cytogenetic location: 4q32.3.
Variant type: single nucleotide variant.
Coding change: c.14G>T on transcript NM_001873.4 (MANE Select); coding-DNA position 14, G replaced by T.
Protein change: p.Gly5Val; replaces glycine 5 with valine.
Molecular consequence: missense variant.
Genome position (GRCh38, 1-based): chr4:165,379,235, G>T. VCF-style: chr4-165379235-G-T. GRCh37 (hg19) VCF-style: chr4-166300387-G-T.
Other names: short protein forms G5V.
Identifiers: ClinVar variation 2628939 (VCV002628939.3), dbSNP rs1293683673, ClinGen allele CA358679891.